The following is an entry in ClinVar:

ClinVar aggregate classification (germline): Uncertain significance (1 of 4 stars; one submission).

Conditions:
Dyskeratosis congenita, autosomal dominant 1 (DKCA1). Also called: Dyskeratosis congenita Scoggins type. Identifiers: Orphanet 1775, MedGen C4551974, MONDO:0007485, OMIM 127550. Inheritance: Variable.

Submission:

Labcorp Genetics (formerly Invitae), Labcorp
Classification: Uncertain significance for Dyskeratosis congenita, autosomal dominant 1. Last evaluated: 2021-06-24. Review status: criteria provided, single submitter. Criteria: Invitae Variant Classification Sherloc (09022015). Collection method: clinical testing. Allele origin: germline.
Comment: In summary, the available evidence is currently insufficient to determine the role of this variant in disease. Therefore, it has been classified as a Variant of Uncertain Significance. This variant is located within the BoxH/ACA scaRNA domain of the TERC RNA component, which is required for telomerase activity (PMID: 21844345). Functional studies testing the effect of this variant on TERC secondary structure or function have not been reported. This variant has not been reported in the literature in individuals with TERC-related conditions. This variant is not present in population databases (ExAC no frequency). This variant occurs in the TERC gene, which encodes an RNA molecule that does not result in a protein product.

Literature cited by the submitters: PubMed 21844345.

NC_000003.12:g.169764712A>G

Genes: TERC (telomerase RNA component; minus strand), LOC110806306 (telomerase RNA component (TERC) promoter; plus strand). Cytogenetic location: 3q26.2.
Variant type: single nucleotide variant.
Genome position: GRCh38 VCF-style: chr3-169764712-A-G. GRCh37 (hg19) VCF-style: chr3-169482500-A-G.
Identifiers: ClinVar variation 1463890 (VCV001463890.8), dbSNP rs2108182875, ClinGen allele CA436714975.
Genomic context (GRCh38, chr3:169,764,712, plus strand): 5'-GGAATCGCGCCGCGCGCGGGGACTCGCTCCGTTCCTCTTCCTGCGGCCTGAAAGGCCTGA[A>G]CCTCGCCCTCGCCCCCGAGAGACCCGCGGCTGACAGAGCCCAACTCTTCGCGGTGGCAGT-3'